The following is an entry in ClinVar:

NM_004082.5(DCTN1):c.1226G>A (p.Arg409Gln)

Gene: DCTN1 (dynactin subunit 1; minus strand). Cytogenetic location: 2p13.1.
Variant type: single nucleotide variant.
Coding change: c.1226G>A on transcript NM_004082.5 (MANE Select); coding-DNA position 1226, G replaced by A.
Protein change: p.Arg409Gln; replaces arginine 409 with glutamine.
Molecular consequence: missense variant. On other transcripts: non-coding transcript variant (1).
Genome position (GRCh38, 1-based): chr2:74,370,247, C>T on the plus strand (G>A on the coding strand, the complement: DCTN1 is on the minus strand). VCF-style: chr2-74370247-C-T. GRCh37 (hg19) VCF-style: chr2-74597374-C-T.
Other names: c.1166G>A, p.Arg389Gln (NM_001135040.3); c.824G>A, p.Arg275Gln (NM_001135041.3, NM_023019.4); c.1115G>A, p.Arg372Gln (NM_001190836.2); c.1205G>A, p.Arg402Gln (NM_001190837.2); c.1175G>A, p.Arg392Gln (NM_001378991.1); c.1157G>A, p.Arg386Gln (NM_001378992.1); short protein forms R275Q, R372Q, R402Q, R389Q, R409Q, R392Q, R386Q.
Identifiers: ClinVar variation 844212 (VCV000844212.16), dbSNP rs142318791, ClinGen allele CA1722212.

ClinVar aggregate classification (germline): Conflicting classifications of pathogenicity. Review status: criteria provided, conflicting classifications (1 of 4 stars). 4 submissions from 4 submitters: Uncertain significance (3); Likely benign (1). Last evaluated 2026-08-03.

Conditions:
DCTN1-related disorder. Also called: DCTN1-related condition.
Inborn genetic diseases. Identifiers: MedGen C0950123, MeSH D030342.
Neuronopathy, distal hereditary motor, type 7B. Also called: NEURONOPATHY, DISTAL HEREDITARY MOTOR, AUTOSOMAL DOMINANT 14; NEURONOPATHY, DISTAL HEREDITARY MOTOR, HARDING TYPE VIIB; NEUROPATHY, DISTAL HEREDITARY MOTOR, HARDING TYPE VIIB; NEUROPATHY, DISTAL HEREDITARY MOTOR, WITH VOCAL CORD PARALYSIS, HARDING TYPE VIIB; HMN VIIB; LOWER MOTOR NEURON DISEASE, DYNACTIN TYPE. Identifiers: Orphanet 139589, MedGen C1843315, MONDO:0011879, OMIM 607641.
Perry syndrome. Also called: PARKINSONISM WITH ALVEOLAR HYPOVENTILATION AND MENTAL DEPRESSION. Identifiers: Orphanet 178509, MedGen C1868594, MONDO:0008201, OMIM 168605.
Amyotrophic lateral sclerosis type 1 (ALS1). Also called: AMYOTROPHIC LATERAL SCLEROSIS 1, FAMILIAL. Identifiers: Orphanet 803, MedGen C1862939, MONDO:0007103, OMIM 105400.

Allele frequency attached by ClinVar (database versions not stated): gnomAD 0.00003 and 0.00005; TOPMed 0.00004; gnomAD exomes 0.00008; ExAC 0.00011; ESP Exome Variant Server 0.00015; 1000 Genomes Project 30x 0.00016; 1000 Genomes Project 0.00020.
gnomAD v4.1: 118 of 1,614,062 alleles (0.0073%); highest among the groups gnomAD compares: Non-Finnish European, 0.0088%; no homozygotes.

Submissions (4):

PreventionGenetics, part of Exact Sciences
Classification: Uncertain significance for DCTN1-related condition. Last evaluated: 2026-08-03. Review status: criteria provided, single submitter. Criteria: ACMG Guidelines, 2015. Collection method: clinical testing. Allele origin: germline.
Comment: The DCTN1 c.1226G>A variant is predicted to result in the amino acid substitution p.Arg409Gln. To our knowledge, this variant has not been reported in the literature. This variant is reported in 0.012% of alleles in individuals of European (non-Finnish) descent in gnomAD. At this time, the clinical significance of this variant is uncertain due to the absence of conclusive functional and genetic evidence.

CeGaT Center for Human Genetics Tuebingen
Classification: Uncertain significance. Last evaluated: 2026-04-01. Review status: criteria provided, single submitter. Criteria: CeGaT Center For Human Genetics Tuebingen Variant Classification Criteria Version 2. Collection method: clinical testing. Allele origin: germline. Affected: yes. Observed: 1 variant allele.
Comment: DCTN1: PM2:Supporting

Labcorp Genetics (formerly Invitae), Labcorp
Classification: Uncertain significance for Amyotrophic lateral sclerosis type 1; Neuronopathy, distal hereditary motor, type 7B; Perry syndrome. Last evaluated: 2025-11-25. Review status: criteria provided, single submitter. Criteria: Invitae Variant Classification Sherloc (09022015). Collection method: clinical testing. Allele origin: germline.
Comment: This sequence change replaces arginine, which is basic and polar, with glutamine, which is neutral and polar, at codon 409 of the DCTN1 protein (p.Arg409Gln). This variant is present in population databases (rs142318791, gnomAD 0.01%). This variant has not been reported in the literature in individuals affected with DCTN1-related conditions. ClinVar contains an entry for this variant (Variation ID: 844212). Invitae Evidence Modeling of protein sequence and biophysical properties (such as structural, functional, and spatial information, amino acid conservation, physicochemical variation, residue mobility, and thermodynamic stability) indicates that this missense variant is not expected to disrupt DCTN1 protein function with a negative predictive value of 95%. In summary, the available evidence is currently insufficient to determine the role of this variant in disease. Therefore, it has been classified as a Variant of Uncertain Significance.

Ambry Genetics
Classification: Likely benign for Inborn genetic diseases. Last evaluated: 2022-03-11. Review status: criteria provided, single submitter. Criteria: Ambry Variant Classification Scheme 2023. Collection method: clinical testing. Allele origin: germline.